The following is an entry in ClinVar:

NM_172107.4(KCNQ2):c.427G>A (p.Val143Met)

Gene: KCNQ2 (potassium voltage-gated channel subfamily Q member 2; minus strand). Cytogenetic location: 20q13.33.
Variant type: single nucleotide variant.
Coding change: c.427G>A on transcript NM_172107.4 (MANE Select); coding-DNA position 427, G replaced by A.
Protein change: p.Val143Met; replaces valine 143 with methionine.
Molecular consequence: missense variant.
Genome position (GRCh38, 1-based): chr20:63,445,325, C>T on the plus strand (G>A on the coding strand, the complement: KCNQ2 is on the minus strand). VCF-style: chr20-63445325-C-T. GRCh37 (hg19) VCF-style: chr20-62076678-C-T.
Other names: c.427G>A, p.Val143Met (NM_001382235.1, NM_004518.6, NM_172106.3 and 2 more transcripts); short protein forms V143M.
Identifiers: ClinVar variation 1418758 (VCV001418758.9), dbSNP rs768237205, ClinGen allele CA9958817.
Genomic context (GRCh38, chr20:63,445,325, plus strand): 5'-ACTTGAGCCGCCCCCTCCAGCCACGGTACCGGCAGCAGCAGCCTGCGGCCCAGATCCGCA[C>T]GAAGTACTCCACGCCAAACACCACGATAGTCACGATTTCCTGCAGGGGAGGAAAGCTGAG-3'
Protein context (NP_742105.1, residues 133-153): TIVVFGVEYF[Val143Met]RIWAAGCCCR

ClinVar aggregate classification (germline): Uncertain significance (1 of 4 stars; one submission).

Conditions:
Early-infantile DEE. Also called: Early infantile epileptic encephalopathy; Ohtahara syndrome; Early infantile epileptic encephalopathy with suppression bursts. Identifiers: Orphanet 1934, MedGen C0393706, MONDO:0800491.

Allele frequency attached by ClinVar (database versions not stated): ExAC 0.00001.
gnomAD v4.1: 9 of 1,613,740 alleles (0.00056%); highest among the groups gnomAD compares: Admixed American, 0.0033%; no homozygotes.

Submission:

Labcorp Genetics (formerly Invitae), Labcorp
Classification: Uncertain significance for Early-infantile DEE. Last evaluated: 2025-11-03. Review status: criteria provided, single submitter. Criteria: Invitae Variant Classification Sherloc (09022015). Collection method: clinical testing. Allele origin: germline.
Comment: This sequence change replaces valine, which is neutral and non-polar, with methionine, which is neutral and non-polar, at codon 143 of the KCNQ2 protein (p.Val143Met). This variant is present in population databases (rs768237205, gnomAD 0.006%). This variant has not been reported in the literature in individuals affected with KCNQ2-related conditions. ClinVar contains an entry for this variant (Variation ID: 1418758). Invitae Evidence Modeling of protein sequence and biophysical properties (such as structural, functional, and spatial information, amino acid conservation, physicochemical variation, residue mobility, and thermodynamic stability) indicates that this missense variant is expected to disrupt KCNQ2 protein function with a positive predictive value of 95%. In summary, the available evidence is currently insufficient to determine the role of this variant in disease. Therefore, it has been classified as a Variant of Uncertain Significance.